The following is an entry in ClinVar:

NM_001278716.2(FBXL4):c.1226C>A (p.Ser409Tyr)

Gene: FBXL4 (F-box and leucine rich repeat protein 4; minus strand). Cytogenetic location: 6q16.1.
Variant type: single nucleotide variant.
Coding change: c.1226C>A on transcript NM_001278716.2 (MANE Select); coding-DNA position 1226, C replaced by A.
Protein change: p.Ser409Tyr; replaces serine 409 with tyrosine.
Molecular consequence: missense variant. On other transcripts: non-coding transcript variant (2).
Genome position (GRCh38, 1-based): chr6:98,899,359, G>T on the plus strand (C>A on the coding strand, the complement: FBXL4 is on the minus strand). VCF-style: chr6-98899359-G-T. GRCh37 (hg19) VCF-style: chr6-99347235-G-T.
Other names: c.1226C>A, p.Ser409Tyr (NM_012160.5); short protein forms S409Y.
Identifiers: ClinVar variation 437716 (VCV000437716.1), dbSNP rs745441524, ClinGen allele CA3933500.

ClinVar aggregate classification (germline): Uncertain significance (1 of 4 stars; one submission).

Conditions:
Mitochondrial DNA depletion syndrome 13. Also called: FBXL4-Related Encephalomyopathic Mitochondrial DNA Depletion Syndrome; Mitochondrial DNA depletion syndrome 13 (encephalomyopathic type). Identifiers: Orphanet 369897, MedGen C3809592, MONDO:0014198, OMIM 615471.

Allele frequency attached by ClinVar (database versions not stated): gnomAD exomes below 0.00001; ExAC 0.00001.
gnomAD v4.1: 1 of 1,613,968 alleles (0.000062%); highest among the groups gnomAD compares: South Asian, 0.0011%; no homozygotes.

Submission:

Wong Mito Lab, Molecular and Human Genetics, Baylor College of Medicine
Classification: Uncertain significance for Mitochondrial DNA depletion syndrome 13. Last evaluated: 2017-08-10. Review status: criteria provided, single submitter. Criteria: ACMG Guidelines, 2015. Collection method: reference population. Allele origin: germline.
Comment: The NM_012160.4:c.1226C>A (NP_036292.2:p.Ser409Tyr) [GRCH38: NC_000006.12:g.98899359G>T] variant in FBXL4 gene is interpretated to be a Uncertain Significance - Insufficient Evidence based on ACMG guidelines (PMID: 25741868). This variant meets one or more of the following evidence codes reported in the ACMG-guideline. PM2:This variant is absent in key population databases. PP3:Computational evidence/predictors indicate the variant has deleterious effect on FBXL4 structure, function, or protein-protein interaction. Based on this evidence code ClinGen Pathogenicity Calculator (PMID:28081714) suggested that the variant is Uncertain Significance - Insufficient Evidence.